The following is an entry in ClinVar:

NM_001089.3(ABCA3):c.2279T>G (p.Met760Arg)

Gene: ABCA3 (ATP binding cassette subfamily A member 3; minus strand). Cytogenetic location: 16p13.3.
Variant type: single nucleotide variant.
Coding change: c.2279T>G on transcript NM_001089.3 (MANE Select); coding-DNA position 2279, T replaced by G.
Protein change: p.Met760Arg; replaces methionine 760 with arginine.
Molecular consequence: missense variant.
Genome position (GRCh38, 1-based): chr16:2,295,725, A>C on the plus strand (T>G on the coding strand, the complement: ABCA3 is on the minus strand). VCF-style: chr16-2295725-A-C. GRCh37 (hg19) VCF-style: chr16-2345726-A-C.
Other names: short protein forms M760R.
Identifiers: ClinVar variation 2446039 (VCV002446039.2), dbSNP rs2505637621, ClinGen allele CA394329199.

ClinVar aggregate classification (germline): Pathogenic/Likely pathogenic. Review status: criteria provided, multiple submitters, no conflicts (2 of 4 stars). 2 submissions from 2 submitters: Pathogenic (1); Likely pathogenic (1). Last evaluated 2026-06-09.

Conditions:
Interstitial lung disease due to ABCA3 deficiency. Also called: PULMONARY ALVEOLAR PROTEINOSIS, CONGENITAL, 3. Identifiers: Orphanet 440402, MedGen C1970456, MONDO:0012582, OMIM 610921.

gnomAD v4.1: 1 of 1,613,934 alleles (0.000062%); highest among the groups gnomAD compares: Middle Eastern, 0.017%; no homozygotes.

Submissions (2):

Women's Health and Genetics/Laboratory Corporation of America, LabCorp
Classification: Likely pathogenic for Interstitial lung disease due to ABCA3 deficiency. Last evaluated: 2026-06-09. Review status: criteria provided, single submitter. Criteria: LabCorp Variant Classification Summary - May 2015. Collection method: clinical testing. Allele origin: germline.
Comment: Variant summary: ABCA3 c.2279T>G (p.Met760Arg) results in a non-conservative amino acid change in the encoded protein sequence. Algorithms developed to predict the effect of missense changes on protein structure and function are either unavailable or do not agree on the potential impact of this missense change. The variant was absent in 251032 control chromosomes (gnomAD). c.2279T>G has been observed in individuals affected with ABCA3-related conditions. These data indicate that the variant may be associated with disease. Publications report experimental evidence evaluating an impact on protein function. The most pronounced variant effect results in <10% of wild type like cells and loss of proteolytically cleaved ABCA3 (e.g. Kinting_2018, Yang_2019). The following publications have been ascertained in the context of this evaluation (PMID: 18024538, 30755392, 29325094, 37175887). ClinVar contains an entry for this variant (Variation ID: 2446039). Based on the evidence outlined above, the variant was classified as likely pathogenic.

Center for Personalized Medicine, Children's Hospital Los Angeles
Classification: Pathogenic. Last evaluated: 2022-12-21. Review status: criteria provided, single submitter. Criteria: ACMG Guidelines, 2015. Collection method: clinical testing. Allele origin: unknown. Affected: yes.

Literature cited by the submitters: PubMed 30755392 (cited by Women's Health and Genetics/Laboratory Corporation of America, LabCorp); PubMed 18024538 (cited by Women's Health and Genetics/Laboratory Corporation of America, LabCorp); PubMed 37175887 (cited by Women's Health and Genetics/Laboratory Corporation of America, LabCorp); PubMed 29325094 (cited by Women's Health and Genetics/Laboratory Corporation of America, LabCorp).